The following is an entry in ClinVar:

NM_000091.5(COL4A3):c.86A>G (p.Lys29Arg)

Genes: COL4A3 (collagen type IV alpha 3 chain; plus strand), LOC129935730 (ATAC-STARR-seq lymphoblastoid silent region 12397; plus strand). Cytogenetic location: 2q36.3.
Variant type: single nucleotide variant.
Coding change: c.86A>G on transcript NM_000091.5 (MANE Select); coding-DNA position 86, A replaced by G.
Protein change: p.Lys29Arg; replaces lysine 29 with arginine.
Molecular consequence: missense variant.
Genome position (GRCh38, 1-based): chr2:227,164,812, A>G. VCF-style: chr2-227164812-A-G. GRCh37 (hg19) VCF-style: chr2-228029528-A-G.
Other names: short protein forms K29R.
Identifiers: ClinVar variation 1677160 (VCV001677160.1), dbSNP rs999240932, ClinGen allele CA350846310.

ClinVar aggregate classification (germline): Uncertain significance (1 of 4 stars; one submission).

Submission:

Women's Health and Genetics/Laboratory Corporation of America, LabCorp
Classification: Uncertain significance. Last evaluated: 2022-03-20. Review status: criteria provided, single submitter. Criteria: LabCorp Variant Classification Summary - May 2015. Collection method: clinical testing. Allele origin: germline.
Comment: Variant summary: COL4A3 c.86A>G (p.Lys29Arg) results in a conservative amino acid change in the encoded protein sequence. Four of five in-silico tools predict a benign effect of the variant on protein function. The variant was absent in 111968 control chromosomes. The available data on variant occurrences in the general population are insufficient to allow any conclusion about variant significance. To our knowledge, no occurrence of c.86A>G in individuals affected with Alport Syndrome, Autosomal Recessive and no experimental evidence demonstrating its impact on protein function have been reported. No clinical diagnostic laboratories have submitted clinical-significance assessments for this variant to ClinVar after 2014. Based on the evidence outlined above, the variant was classified as uncertain significance.